The following is an entry in ClinVar:

NM_001023.4(RPS20):c.128C>A (p.Ala43Glu)

Gene: RPS20 (ribosomal protein S20; minus strand). Cytogenetic location: 8q12.1.
Variant type: single nucleotide variant.
Coding change: c.128C>A on transcript NM_001023.4 (MANE Select); coding-DNA position 128, C replaced by A.
Protein change: p.Ala43Glu; replaces alanine 43 with glutamic acid.
Molecular consequence: missense variant.
Genome position (GRCh38, 1-based): chr8:56,073,744, G>T on the plus strand (C>A on the coding strand, the complement: RPS20 is on the minus strand). VCF-style: chr8-56073744-G-T. GRCh37 (hg19) VCF-style: chr8-56986303-G-T.
Other names: c.128C>A, p.Ala43Glu (NM_001146227.3); short protein forms A43E.
Identifiers: ClinVar variation 5028424 (VCV005028424.1).

ClinVar aggregate classification (germline): Uncertain significance (1 of 4 stars; one submission).

Submission:

Ambry Genetics
Classification: Uncertain significance. Last evaluated: 2026-08-25. Review status: criteria provided, single submitter. Criteria: Ambry Variant Classification Scheme 2023. Collection method: clinical testing. Allele origin: germline.
Comment: The p.A43E variant (also known as c.128C>A), located in coding exon 3 of the RPS20 gene, results from a C to A substitution at nucleotide position 128. The alanine at codon 43 is replaced by glutamic acid, an amino acid with dissimilar properties. This amino acid position is conserved. In addition, this alteration is predicted to be deleterious by in silico analysis. Based on the available evidence, the clinical significance of this variant remains unclear.